The following is an entry in ClinVar:

NM_021927.3(GUF1):c.1250T>A (p.Leu417Gln)

Gene: GUF1 (GTP binding elongation factor GUF1; plus strand). Cytogenetic location: 4p12.
Variant type: single nucleotide variant.
Coding change: c.1250T>A on transcript NM_021927.3 (MANE Select); coding-DNA position 1250, T replaced by A.
Protein change: p.Leu417Gln; replaces leucine 417 with glutamine.
Molecular consequence: missense variant.
Genome position (GRCh38, 1-based): chr4:44,689,890, T>A. VCF-style: chr4-44689890-T-A. GRCh37 (hg19) VCF-style: chr4-44691907-T-A.
Other names: c.278T>A, p.Leu93Gln (NM_001345867.2, NM_001345869.2); c.1250T>A, p.Leu417Gln (NM_001345868.2); c.1250T>A (NM_021927.2); short protein forms L417Q, L93Q.
Identifiers: ClinVar variation 2057871 (VCV002057871.10), dbSNP rs115306084, ClinGen allele CA2905588.
Genomic context (GRCh38, chr4:44,689,890, plus strand): 5'-TTTCCTCCCCCAGGCTAGGATTTCTTGGACTTTTGCACATGGAAGTTTTCAACCAGCGAC[T>A]GGAGCAAGAATATAATGCTTCTGTTATTTTAACAACCCCTACTGTTCCATATAAAGCTGT-3'
Protein context (NP_068746.2, residues 407-427): LLHMEVFNQR[Leu417Gln]EQEYNASVIL

ClinVar aggregate classification (germline): Uncertain significance. Review status: criteria provided, multiple submitters, no conflicts (2 of 4 stars). 4 submissions from 4 submitters: Uncertain significance (3). 1 of the submissions does not count toward it. Last evaluated 2025-08-15.

Conditions:
GUF1-related disorder. Also called: GUF1-related condition.
Developmental and epileptic encephalopathy, 40 (DEE40). Also called: Epileptic encephalopathy, early infantile, 40. Identifiers: Orphanet 3451, MedGen C4310737, MONDO:0014895, OMIM 617065.

Allele frequency attached by ClinVar (database versions not stated): gnomAD exomes 0.00009; gnomAD 0.00013; TOPMed 0.00025; ExAC 0.00026; 1000 Genomes Project 0.00040; 1000 Genomes Project 30x 0.00047.
gnomAD v4.1: 159 of 1,606,342 alleles (0.0099%); highest among the groups gnomAD compares: East Asian, 0.3%; 1 homozygote.

Submissions (4):

Labcorp Genetics (formerly Invitae), Labcorp
Classification: Uncertain significance. Last evaluated: 2025-08-15. Review status: criteria provided, single submitter. Criteria: Invitae Variant Classification Sherloc (09022015). Collection method: clinical testing. Allele origin: germline.
Comment: This sequence change replaces leucine, which is neutral and non-polar, with glutamine, which is neutral and polar, at codon 417 of the GUF1 protein (p.Leu417Gln). This variant is present in population databases (rs115306084, gnomAD 0.4%), and has an allele count higher than expected for a pathogenic variant. This missense change has been observed in individual(s) with epilepsy (PMID: 30945278). ClinVar contains an entry for this variant (Variation ID: 2057871). Invitae Evidence Modeling of protein sequence and biophysical properties (such as structural, functional, and spatial information, amino acid conservation, physicochemical variation, residue mobility, and thermodynamic stability) indicates that this missense variant is expected to disrupt GUF1 protein function with a positive predictive value of 80%. In summary, the available evidence is currently insufficient to determine the role of this variant in disease. Therefore, it has been classified as a Variant of Uncertain Significance.

Blueprint Genetics
Classification: Uncertain significance. Last evaluated: 2024-03-07. Review status: criteria provided, single submitter. Criteria: ACMG Guidelines, 2015. Collection method: clinical testing. Allele origin: germline.

Revvity Omics, Revvity
Classification: Uncertain significance for Developmental and epileptic encephalopathy, 40. Last evaluated: 2020-07-21. Review status: criteria provided, single submitter. Criteria: ACMG Guidelines, 2015. Collection method: clinical testing. Allele origin: germline.

PreventionGenetics, part of Exact Sciences
Classification: Likely benign for GUF1-related condition. Last evaluated: 2022-07-01. Review status: no assertion criteria provided. Collection method: clinical testing. Allele origin: germline. Not counted in ClinVar's aggregate classification.
Comment: This variant is classified as likely benign based on ACMG/AMP sequence variant interpretation guidelines (Richards et al. 2015 PMID: 25741868, with internal and published modifications).

Literature cited by the submitters: PubMed 30945278 (cited by Labcorp Genetics (formerly Invitae), Labcorp).